The following is an entry in ClinVar:

ClinVar aggregate classification (germline): Pathogenic (1 of 4 stars; one submission).

Submission:

Labcorp Genetics (formerly Invitae), Labcorp
Classification: Pathogenic. Last evaluated: 2024-09-01. Review status: criteria provided, single submitter. Criteria: Invitae Variant Classification Sherloc (09022015). Collection method: clinical testing. Allele origin: germline.
Comment: This sequence change creates a premature translational stop signal (p.Glu426*) in the IMPG1 gene. It is expected to result in an absent or disrupted protein product. Loss-of-function variants in IMPG1 are known to be pathogenic (PMID: 23993198). This variant is not present in population databases (gnomAD no frequency). This variant has not been reported in the literature in individuals affected with IMPG1-related conditions. Algorithms developed to predict the effect of sequence changes on RNA splicing suggest that this variant may disrupt the consensus splice site. For these reasons, this variant has been classified as Pathogenic.

Literature cited by the submitters: PubMed 23993198.

NM_001563.4(IMPG1):c.1276G>T (p.Glu426Ter)

Gene: IMPG1 (interphotoreceptor matrix proteoglycan 1; minus strand). Cytogenetic location: 6q14.1.
Variant type: single nucleotide variant.
Coding change: c.1276G>T on transcript NM_001563.4 (MANE Select); coding-DNA position 1276, G replaced by T.
Protein change: p.Glu426Ter; replaces glutamic acid 426 with a stop codon.
Molecular consequence: nonsense.
Genome position (GRCh38, 1-based): chr6:76,002,933, C>A on the plus strand (G>T on the coding strand, the complement: IMPG1 is on the minus strand). VCF-style: chr6-76002933-C-A. GRCh37 (hg19) VCF-style: chr6-76712650-C-A.
Other names: c.1042G>T, p.Glu348Ter (NM_001282368.2); short protein forms E348*, E426*.
Identifiers: ClinVar variation 3679360 (VCV003679360.2).
Genomic context (GRCh38, chr6:76,002,933, plus strand): 5'-AGCATATGTTGTCATCTAACATAGACTTTGTGAGGGGAAACTTACCAGGTAGACCATGCT[C>A]TGCTCCGTCCACTGTCTCAAGCTGGGGTTCAACAGGAGGAAGTTCTGGACTCAAAGTAGC-3'